The following is an entry in ClinVar:

NM_006393.3(NEBL):c.2122A>C (p.Lys708Gln)

Genes: NEBL (nebulette; minus strand), LOC126860875 (MED14-independent group 3 enhancer GRCh37_chr10:21105746-21106945; plus strand). Cytogenetic location: 10p12.31.
Variant type: single nucleotide variant.
Coding change: c.2122A>C on transcript NM_006393.3 (MANE Select); coding-DNA position 2122, A replaced by C.
Protein change: p.Lys708Gln; replaces lysine 708 with glutamine.
Molecular consequence: missense variant. On other transcripts: intron variant (9).
Genome position (GRCh38, 1-based): chr10:20,817,626, T>G on the plus strand (A>C on the coding strand, the complement: NEBL is on the minus strand). VCF-style: chr10-20817626-T-G. GRCh37 (hg19) VCF-style: chr10-21106555-T-G.
Other names: c.250-4686A>C (NM_001377326.1, NM_001377327.1, NM_001377328.1); c.358-4686A>C (NM_213569.2, NM_001173484.2, NM_001377322.1); c.301-4686A>C (NM_001377324.1); c.292-4686A>C (NM_001377325.1); c.310-4686A>C (NM_001377323.1); short protein forms K708Q.
Identifiers: ClinVar variation 2056106 (VCV002056106.4), dbSNP rs1838857325, ClinGen allele CA376094083.
Genomic context (GRCh38, chr10:20,817,626, plus strand): 5'-TAGTGTAAGAAAAAAGTTACTAAGATGATCACACATTGCTGATGTTTTTCTGGTTTTCTT[T>G]TGCCCTCTTCAGCTCTGGTGGATCAGAAATTGCAGTTCCCCGTTGAAGTTCTCCCTTATA-3'
Protein context (NP_006384.1, residues 698-718): ISDPPELKRA[Lys708Gln]ENQKNISNVY

ClinVar aggregate classification (germline): Uncertain significance (1 of 4 stars; one submission).

Conditions:
Primary dilated cardiomyopathy (DCM). Also called: Dilated Cardiomyopathy. Identifiers: Orphanet 217604, MedGen C0007193, MeSH D002311, MONDO:0005021, HP:0001644. Inheritance: Various modes of inheritance.

Allele frequency attached by ClinVar (database versions not stated): TOPMed 0.00001; gnomAD exomes 0.00002.
gnomAD v4.1: 36 of 1,613,876 alleles (0.0022%); highest among the groups gnomAD compares: Non-Finnish European, 0.0027%; no homozygotes.

Submission:

Labcorp Genetics (formerly Invitae), Labcorp
Classification: Uncertain significance for Primary dilated cardiomyopathy. Last evaluated: 2025-05-07. Review status: criteria provided, single submitter. Criteria: Invitae Variant Classification Sherloc (09022015). Collection method: clinical testing. Allele origin: germline.
Comment: This sequence change replaces lysine, which is basic and polar, with glutamine, which is neutral and polar, at codon 708 of the NEBL protein (p.Lys708Gln). This variant is not present in population databases (gnomAD no frequency). This variant has not been reported in the literature in individuals affected with NEBL-related conditions. ClinVar contains an entry for this variant (Variation ID: 2056106). An algorithm developed to predict the effect of missense changes on protein structure and function (PolyPhen-2) suggests that this variant is likely to be disruptive. In summary, the available evidence is currently insufficient to determine the role of this variant in disease. Therefore, it has been classified as a Variant of Uncertain Significance.